The following is an entry in ClinVar:

ClinVar aggregate classification (germline): Uncertain significance (1 of 4 stars; one submission).

Conditions:
T-cell immunodeficiency with epidermodysplasia verruciformis. Identifiers: Orphanet 324294, MedGen C4749500, MONDO:0017925.

Allele frequency attached by ClinVar (database versions not stated): gnomAD 0.00001; gnomAD exomes 0.00002; TOPMed 0.00002.
gnomAD v4.1: 32 of 1,613,952 alleles (0.002%); highest among the groups gnomAD compares: Non-Finnish European, 0.0025%; no homozygotes.

Submission:

Labcorp Genetics (formerly Invitae), Labcorp
Classification: Uncertain significance for T-cell immunodeficiency with epidermodysplasia verruciformis. Last evaluated: 2023-12-11. Review status: criteria provided, single submitter. Criteria: Invitae Variant Classification Sherloc (09022015). Collection method: clinical testing. Allele origin: germline.
Comment: This sequence change replaces arginine, which is basic and polar, with tryptophan, which is neutral and slightly polar, at codon 180 of the RHOH protein (p.Arg180Trp). This variant is present in population databases (rs747353195, gnomAD 0.004%). This variant has not been reported in the literature in individuals affected with RHOH-related conditions. ClinVar contains an entry for this variant (Variation ID: 1365400). An algorithm developed to predict the effect of missense changes on protein structure and function (PolyPhen-2) suggests that this variant is likely to be disruptive. In summary, the available evidence is currently insufficient to determine the role of this variant in disease. Therefore, it has been classified as a Variant of Uncertain Significance.

NM_004310.5(RHOH):c.538A>T (p.Arg180Trp)

Gene: RHOH (ras homolog family member H; plus strand). Cytogenetic location: 4p14.
Variant type: single nucleotide variant.
Coding change: c.538A>T on transcript NM_004310.5 (MANE Select); coding-DNA position 538, A replaced by T.
Protein change: p.Arg180Trp; replaces arginine 180 with tryptophan.
Molecular consequence: missense variant.
Genome position (GRCh38, 1-based): chr4:40,243,924, A>T. VCF-style: chr4-40243924-A-T. GRCh37 (hg19) VCF-style: chr4-40245544-A-T.
Other names: c.538A>T, p.Arg180Trp (NM_001278359.2, NM_001278360.2, NM_001278361.2 and 8 more transcripts); short protein forms R180W.
Identifiers: ClinVar variation 1365400 (VCV001365400.6), dbSNP rs747353195, ClinGen allele CA2897785.